The following is an entry in ClinVar:

NM_001244008.2(KIF1A):c.194T>C (p.Ile65Thr)

Gene: KIF1A (kinesin family member 1A; minus strand). Cytogenetic location: 2q37.3.
Variant type: single nucleotide variant.
Coding change: c.194T>C on transcript NM_001244008.2 (MANE Select); coding-DNA position 194, T replaced by C.
Protein change: p.Ile65Thr; replaces isoleucine 65 with threonine.
Molecular consequence: missense variant.
Genome position (GRCh38, 1-based): chr2:240,788,220, A>G on the plus strand (T>C on the coding strand, the complement: KIF1A is on the minus strand). VCF-style: chr2-240788220-A-G. GRCh37 (hg19) VCF-style: chr2-241727637-A-G.
Other names: c.194T>C, p.Ile65Thr (NM_001320705.2, NM_001330289.2, NM_001330290.2 and 20 more transcripts); short protein forms I65T.
Identifiers: ClinVar variation 1030762 (VCV001030762.7), dbSNP rs2055194876, ClinGen allele CA351311097.

ClinVar aggregate classification (germline): Uncertain significance. Review status: criteria provided, multiple submitters, no conflicts (2 of 4 stars). 2 submissions from 2 submitters: Uncertain significance (2). Last evaluated 2021-11-24.

Conditions:
Neuropathy, hereditary sensory, type 2C. Also called: Hereditary sensory and autonomic neuropathy type IIC; KIF1A-Related HSAN2 (HSAN2C). Identifiers: Orphanet 970, MedGen C3280168, MONDO:0013634, OMIM 614213.
Intellectual disability, autosomal dominant 9 (NESCAVS). Also called: KIF1A-Related Neurodevelopmental Disorder; NESCAV SYNDROME. Identifiers: Orphanet 662367, MedGen C5393830, MONDO:0013656, OMIM 614255.
Hereditary spastic paraplegia 30. Identifiers: Orphanet 101010, MedGen C5235139, MONDO:0012476.

Submissions (2):

Labcorp Genetics (formerly Invitae), Labcorp
Classification: Uncertain significance for Hereditary spastic paraplegia 30; Neuropathy, hereditary sensory, type 2C; Intellectual disability, autosomal dominant 9. Last evaluated: 2021-11-24. Review status: criteria provided, single submitter. Criteria: Invitae Variant Classification Sherloc (09022015). Collection method: clinical testing. Allele origin: germline.
Comment: In summary, the available evidence is currently insufficient to determine the role of this variant in disease. Therefore, it has been classified as a Variant of Uncertain Significance. This sequence change replaces isoleucine, which is neutral and non-polar, with threonine, which is neutral and polar, at codon 65 of the KIF1A protein (p.Ile65Thr). This variant is not present in population databases (gnomAD no frequency). This variant has not been reported in the literature in individuals affected with KIF1A-related conditions. ClinVar contains an entry for this variant (Variation ID: 1030762). Algorithms developed to predict the effect of missense changes on protein structure and function (SIFT, PolyPhen-2, Align-GVGD) all suggest that this variant is likely to be tolerated.

Baylor Genetics
Classification: Uncertain significance for Intellectual disability, autosomal dominant 9. Last evaluated: 2019-07-09. Review status: criteria provided, single submitter. Criteria: ACMG Guidelines, 2015. Collection method: clinical testing. Allele origin: unknown. Affected: yes.
Comment: This variant was determined to be of uncertain significance according to ACMG Guidelines, 2015 [PMID:25741868].